The following is an entry in ClinVar:

ClinVar aggregate classification (germline): Uncertain significance. Review status: criteria provided, multiple submitters, no conflicts (2 of 4 stars). 2 submissions from 2 submitters: Uncertain significance (2). Last evaluated 2023-03-01.

Conditions:
Inborn genetic diseases. Identifiers: MedGen C0950123, MeSH D030342.

Allele frequency attached by ClinVar (database versions not stated): 1000 Genomes Project 0.00060; 1000 Genomes Project 30x 0.00062.

Submissions (2):

CeGaT Center for Human Genetics Tuebingen
Classification: Uncertain significance. Last evaluated: 2023-03-01. Review status: criteria provided, single submitter. Criteria: CeGaT Center For Human Genetics Tuebingen Variant Classification Criteria Version 2. Collection method: clinical testing. Allele origin: germline. Affected: yes. Observed: 1 variant allele.
Comment: HYDIN: PM2, BP4

Ambry Genetics
Classification: Uncertain significance for Inborn genetic diseases. Last evaluated: 2021-07-06. Review status: criteria provided, single submitter. Criteria: Ambry Variant Classification Scheme 2023. Collection method: clinical testing. Allele origin: germline.

NM_001270974.2(HYDIN):c.8744A>G (p.Asn2915Ser)

Gene: HYDIN (HYDIN axonemal central pair apparatus protein; minus strand). Cytogenetic location: 16q22.2.
Variant type: single nucleotide variant.
Coding change: c.8744A>G on transcript NM_001270974.2 (MANE Select); coding-DNA position 8744, A replaced by G.
Protein change: p.Asn2915Ser; replaces asparagine 2915 with serine.
Molecular consequence: missense variant.
Genome position (GRCh38, 1-based): chr16:70,903,730, T>C on the plus strand (A>G on the coding strand, the complement: HYDIN is on the minus strand). VCF-style: chr16-70903730-T-C. GRCh37 (hg19) VCF-style: chr16-70937633-T-C.
Other names: short protein forms N2915S.
Identifiers: ClinVar variation 2212083 (VCV002212083.26), dbSNP rs556463226, ClinGen allele CA283508601.
Genomic context (GRCh38, chr16:70,903,730, plus strand): 5'-TCTAGTTCCGGGCGGATCCCCTGGCAGCTTAATTGGAAGATGGCTGGCTCTGGGTTGTCA[T>C]TGATGCAGCAGACAATGCTGTCTTCAAAGACACCAACTGAAGTAGGGTAGGCCCATACGT-3'
Protein context (NP_001257903.1, residues 2905-2925): VFEDSIVCCI[Asn2915Ser]DNPEPAIFQL